The following is an entry in ClinVar:

ClinVar aggregate classification (germline): Benign. Review status: criteria provided, multiple submitters, no conflicts (2 of 4 stars). 2 submissions from 2 submitters: Benign (2). Last evaluated 2018-06-14.

Allele frequency attached by ClinVar (database versions not stated): TOPMed 0.02006; gnomAD 0.02270 and 0.02367; gnomAD exomes 0.02692; 1000 Genomes Project 30x 0.02764; 1000 Genomes Project 0.02955.
gnomAD v4.1: 8,400 of 332,372 alleles (2.5%); highest among the groups gnomAD compares: East Asian, 6.1%; 172 homozygotes.

Submissions (2):

GeneDx
Classification: Benign. Last evaluated: 2018-06-14. Review status: criteria provided, single submitter. Criteria: GeneDx Variant Classification (06012015). Collection method: clinical testing. Allele origin: germline. Affected: yes.
Comment: This variant is considered likely benign or benign based on one or more of the following criteria: it is a conservative change, it occurs at a poorly conserved position in the protein, it is predicted to be benign by multiple in silico algorithms, and/or has population frequency not consistent with disease.

Breakthrough Genomics
Classification: Benign. Review status: criteria provided, single submitter. Criteria: ACMG Guidelines, 2015. Collection method: not provided. Allele origin: germline. Inheritance: Autosomal recessive inheritance. Affected: yes.

NM_001267550.2(TTN):c.97492+263T>C

Genes: TTN (titin; minus strand), TTN-AS1 (TTN antisense RNA 1; plus strand). Cytogenetic location: 2q31.2.
Variant type: single nucleotide variant.
Coding change: c.97492+263T>C on transcript NM_001267550.2 (MANE Select); 263 bases into the intron after coding-DNA position 97492, T replaced by C.
Molecular consequence: intron variant.
Genome position (GRCh38, 1-based): chr2:178,542,001, A>G on the plus strand (T>C on the coding strand, the complement: TTN is on the minus strand). VCF-style: chr2-178542001-A-G. GRCh37 (hg19) VCF-style: chr2-179406728-A-G.
Other names: c.70297+263T>C (NM_003319.4); c.70873+263T>C (NM_133437.4); c.70672+263T>C (NM_133432.3); c.89788+263T>C (NM_133378.4); c.92569+263T>C (NM_001256850.1).
Identifiers: ClinVar variation 680842 (VCV000680842.2), dbSNP rs114248026, ClinGen allele CA60968361.
Genomic context (GRCh38, chr2:178,542,001, plus strand): 5'-CATTGCCAGTCCTCCTTCCTTTCCTCTCTTCCTCCTTCCCTTCTCTCTTTTCTTCCTTCC[A>G]TTCCTTTCTTCCTAACTCCCTCCTCTTCTCTTTCATAAGAGTGAAGATATTAAAAAAAAA-3'